The following is an entry in ClinVar:

ClinVar aggregate classification (germline): Pathogenic. Review status: criteria provided, multiple submitters, no conflicts (2 of 4 stars). 10 submissions from 10 submitters: Pathogenic (8). 2 of the submissions do not count toward it. Last evaluated 2026-04-21.

Conditions:
THRB-related disorder. Also called: THRB-related condition.
Selective pituitary resistance to thyroid hormone. Also called: HYPERTHYROIDISM, FAMILIAL, DUE TO INAPPROPRIATE THYROTROPIN SECRETION. Identifiers: MedGen C1840364, MONDO:0007784, OMIM 145650.
Thyroid hormone resistance, generalized, autosomal dominant (GRTHD). Also called: HYPERTHYROXINEMIA, FAMILIAL EUTHYROID, SECONDARY TO PITUITARY AND PERIPHERAL RESISTANCE TO THYROID HORMONES. Identifiers: MedGen C2937288, MONDO:0008569, OMIM 188570.
Thyroid hormone resistance, generalized, autosomal recessive (GRTHR). Also called: REFETOFF SYNDROME. Identifiers: MedGen C3489796, MONDO:0010131, OMIM 274300.

Allele frequency attached by ClinVar (database versions not stated): gnomAD exomes below 0.00001.
gnomAD v4.1: 2 of 1,614,150 alleles (0.00012%); highest among the groups gnomAD compares: Non-Finnish European, 0.000085%; no homozygotes.

Submissions (10):

PreventionGenetics, part of Exact Sciences
Classification: Pathogenic for THRB-related condition. Last evaluated: 2026-04-21. Review status: criteria provided, single submitter. Criteria: ACMG Guidelines, 2015. Collection method: clinical testing. Allele origin: germline.
Comment: The THRB c.958C>T variant is predicted to result in the amino acid substitution p.Arg320Cys. This variant has been reported in multiple unrelated patients with thyroid hormone resistance (Burman et al. 1992. PubMed ID: 1358935; Weiss et al. 1997. PubMed ID: 9086567; Zaig et al. 2018. PubMed ID: 30430796). Experimental studies suggest that this variant impacts protein function by decreasing the affinity of T3 binding (Burman et al. 1992. PubMed ID: 1358935; Lado Abeal et al. 2011. PubMed ID: 21703645). Alternate nucleotide changes affecting the same amino acid (p.Arg320Ser, p.Arg320Gly, p.Arg320His, p.Arg320Pro, p.Arg320Leu), have been reported to be disease-causing for thyroid hormone resistance (Human Gene Mutation Database). This variant has not been reported in a large population database (gnomAD), indicating this variant is rare. Taken together, we interpret this variant as pathogenic.

Quest Diagnostics Nichols Institute San Juan Capistrano
Classification: Pathogenic. Last evaluated: 2024-11-26. Review status: criteria provided, single submitter. Criteria: Quest Diagnostics criteria. Collection method: clinical testing. Allele origin: unknown.
Comment: The THRB c.958C>T (p.Arg320Cys) variant has been reported in the published literature to segregate with disease in families affected with resistance to thyroid hormone, and functional studies indicate this variant results in a hormone binding defect (PMID: 1358935 (1992), 8514853 (1993), 9086567 (1997), 21703645 (2011)). This variant has not been reported in large, multi-ethnic general populations (Genome Aggregation Database). Analysis of this variant using bioinformatics tools for the prediction of the effect of amino acid changes on protein structure and function yielded predictions that this variant is damaging. Based on the available information, this variant is classified as pathogenic.

Molecular Genetics, Royal Melbourne Hospital
Classification: Pathogenic for Thyroid hormone resistance, generalized, autosomal dominant. Last evaluated: 2024-08-05. Review status: criteria provided, single submitter. Criteria: ACMG Guidelines, 2015. Collection method: clinical testing. Allele origin: germline. Inheritance: Autosomal dominant inheritance. Affected: yes.
Comment: This sequence change in THRB is predicted to replace arginine with cysteine at codon 320, p.(Arg320Cys). The arginine residue is highly conserved (100 vertebrates, Multiz Alignments), and is located in the nuclear receptor (NR) ligand-binding domain (LBD) in a region (amino acids 315-345) that is intolerant to missense variation. There is a large physicochemical difference between arginine and cysteine. The highest population minor allele frequency in the population database gnomAD v4.1 is 0.00008% (1/1,180,012 alleles) in the European (non-Finnish) population consistent with thyroid hormone resistance (THR). This variant has been reported in several probands with THR and segregates with the condition in multiple families (PMID: 1358935, 8514853, 8696005, 11788648, 28938413, 30027432, 30707410, 34556608, 34727089; ClinVar ID: 12557). This variant has been identified as a de novo occurrence with unconfirmed parental relationships in an individual with THR (PMID: 25988151). Computational evidence predicts a deleterious effect for the missense substitution (REVEL = 0.933). Other missense variants altering Arg320 have been reported in individuals with THR supporting the importance of this residue in protein function (ClinVar ID: 12553, 12562, 801290). Based on the classification scheme RMH Modified ACMG/AMP Guidelines v1.7.0, this variant is classified as PATHOGENIC. Following criteria are met: PM1, PM2_Supporting, PM6, PP1_Strong, PP3_Moderate, PS4_Moderate.

Women's Health and Genetics/Laboratory Corporation of America, LabCorp
Classification: Pathogenic for Thyroid hormone resistance, generalized, autosomal dominant. Last evaluated: 2024-04-25. Review status: criteria provided, single submitter. Criteria: LabCorp Variant Classification Summary - May 2015. Collection method: clinical testing. Allele origin: germline.
Comment: Variant summary: THRB c.958C>T (p.Arg320Cys) results in a non-conservative amino acid change located in the Nuclear hormone receptor, ligand-binding domain (IPR000536) of the encoded protein sequence. Five of five in-silico tools predict a damaging effect of the variant on protein function. The variant was absent in 251466 control chromosomes (gnomAD). c.958C>T has been reported in the literature in multiple individuals affected with Thyroid Hormone Resistance, Generalized, Autosomal Dominant with evidence of cosegregation with disease (e.g. Burman_1992). These data indicate that the variant is very likely to be associated with disease. At least one publication reports experimental evidence evaluating an impact on protein function, finding that the variant results in substantially reduced T3 binding (Burman_1992). The following publication has been ascertained in the context of this evaluation (PMID: 1358935). ClinVar contains an entry for this variant (Variation ID: 12557). Based on the evidence outlined above, the variant was classified as pathogenic.

Blueprint Genetics
Classification: Pathogenic for THRB-related disorders. Last evaluated: 2023-04-17. Review status: criteria provided, single submitter. Criteria: ACMG Guidelines, 2015. Collection method: clinical testing. Allele origin: germline. Affected: yes. Observed: 5 variant alleles.

GeneDx
Classification: Pathogenic. Last evaluated: 2022-10-03. Review status: criteria provided, single submitter. Criteria: GeneDx Variant Classification Process June 2021. Collection method: clinical testing. Allele origin: germline. Affected: yes.
Comment: Reported in the heterozygous state (as c.1243C>T due to alternate nomenclature) in multiple individuals from unrelated families with resistance to thyroid hormone (Burman et al., 1992; Weiss et al., 1993; Jonas and Daumerie, 2014); Published functional studies demonstrate a damaging effect: modestly reduced T3 binding affinity compared to normal or wild type translation products (Burman et al., 1992); Not observed at significant frequency in large population cohorts (gnomAD); This variant is associated with the following publications: (PMID: 33524107, 30430796, 21703645, 9086567, 35738449, 20237409, 30526530, 28938413, 34556608, 34727089, 30027432, 1358935, 8514853, 25099553, 26582918, 24077912)

Fulgent Genetics
Classification: Pathogenic for Selective pituitary resistance to thyroid hormone; Thyroid hormone resistance, generalized, autosomal dominant; Thyroid hormone resistance, generalized, autosomal recessive. Last evaluated: 2022-02-15. Review status: criteria provided, single submitter. Criteria: ACMG Guidelines, 2015. Collection method: clinical testing. Allele origin: unknown.

Clinical Genetics Service, Universitary Hospital 12 de Octubre
Classification: Pathogenic for Thyroid hormone resistance, generalized, autosomal dominant. Review status: criteria provided, single submitter. Criteria: ACMG Guidelines, 2015. Collection method: clinical testing. Allele origin: germline. Affected: yes.

Clinical Molecular Genetics Laboratory, Johns Hopkins All Children's Hospital
Classification: Pathogenic for Thyroid hormone resistance, generalized, autosomal dominant. Last evaluated: 2010-10-20. Review status: no assertion criteria provided. Collection method: clinical testing. Allele origin: germline. Affected: yes. Not counted in ClinVar's aggregate classification.

OMIM
Classification: Pathogenic for THYROID HORMONE RESISTANCE, GENERALIZED, AUTOSOMAL DOMINANT. Last evaluated: 1993-06-01. Review status: no assertion criteria provided. Collection method: literature only. Allele origin: germline. Not counted in ClinVar's aggregate classification.

Literature cited by the submitters: PubMed 9086567 (cited by Quest Diagnostics Nichols Institute San Juan Capistrano); PubMed 1358935 (cited by 3 submitters); PubMed 21703645 (cited by Quest Diagnostics Nichols Institute San Juan Capistrano); PubMed 8514853 (cited by 3 submitters); PubMed 20237409 (cited by Quest Diagnostics Nichols Institute San Juan Capistrano); PubMed 25502991 (cited by Quest Diagnostics Nichols Institute San Juan Capistrano); PubMed 8696005 (cited by Molecular Genetics, Royal Melbourne Hospital); PubMed 11788648 (cited by Molecular Genetics, Royal Melbourne Hospital); PubMed 25988151 (cited by Molecular Genetics, Royal Melbourne Hospital); PubMed 28938413 (cited by Molecular Genetics, Royal Melbourne Hospital); PubMed 30027432 (cited by Molecular Genetics, Royal Melbourne Hospital); PubMed 30707410 (cited by Molecular Genetics, Royal Melbourne Hospital); PubMed 34556608 (cited by Molecular Genetics, Royal Melbourne Hospital); PubMed 34727089 (cited by Molecular Genetics, Royal Melbourne Hospital).

NM_001354712.2(THRB):c.958C>T (p.Arg320Cys)

Gene: THRB (thyroid hormone receptor beta; minus strand). Cytogenetic location: 3p24.2.
Variant type: single nucleotide variant.
Coding change: c.958C>T on transcript NM_001354712.2 (MANE Select); coding-DNA position 958, C replaced by T.
Protein change: p.Arg320Cys; replaces arginine 320 with cysteine.
Molecular consequence: missense variant.
Genome position (GRCh38, 1-based): chr3:24,127,685, G>A on the plus strand (C>T on the coding strand, the complement: THRB is on the minus strand). VCF-style: chr3-24127685-G-A. GRCh37 (hg19) VCF-style: chr3-24169176-G-A.
Other names: c.958C>T, p.Arg320Cys (NM_000461.5, NM_001128176.3, NM_001128177.2 and 6 more transcripts); c.865C>T, p.Arg289Cys (NM_001354714.2, NM_001354715.2); short protein forms R320C, R289C.
Identifiers: ClinVar variation 12557 (VCV000012557.15), dbSNP rs121918696, ClinGen allele CA122493.